The following is an entry in ClinVar:

ClinVar aggregate classification (germline): Likely benign (0 of 4 stars; one submission).

Conditions:
BMS1-related disorder. Also called: BMS1-related condition.

Allele frequency attached by ClinVar (database versions not stated): ExAC 0.00163; 1000 Genomes Project 0.00180; 1000 Genomes Project 30x 0.00297.

Submission:

PreventionGenetics, part of Exact Sciences
Classification: Likely benign for BMS1-related condition. Last evaluated: 2019-10-31. Review status: no assertion criteria provided. Collection method: clinical testing. Allele origin: germline.
Comment: This variant is classified as likely benign based on ACMG/AMP sequence variant interpretation guidelines (Richards et al. 2015 PMID: 25741868, with internal and published modifications).

NM_014753.4(BMS1):c.779+8A>G

Gene: BMS1 (BMS1 ribosome biogenesis factor; plus strand). Cytogenetic location: 10q11.21.
Variant type: single nucleotide variant.
Coding change: c.779+8A>G on transcript NM_014753.4 (MANE Select); 8 bases into the intron after coding-DNA position 779, A replaced by G.
Molecular consequence: intron variant.
Genome position (GRCh38, 1-based): chr10:42,791,777, A>G. VCF-style: chr10-42791777-A-G. GRCh37 (hg19) VCF-style: chr10-43287225-A-G.
Identifiers: ClinVar variation 3044611 (VCV003044611.2), dbSNP rs565927861, ClinGen allele CA5475516.
Genomic context (GRCh38, chr10:42,791,777, plus strand): 5'-AAGTTTAGGCCTCTCACATGGCAAACTTCTCACCCTTATATCCTGGCAGACAGGTAAAAT[A>G]TGATTTTAAGCTTTTTCTTCCTGGGCCATATATTTCAAAGCTAAAAAGGCTAGAAAAAGA-3'